The following is an entry in ClinVar:

NM_000030.3(AGXT):c.983dup (p.Gly329fs)

Gene: AGXT (alanine--glyoxylate aminotransferase; plus strand). Cytogenetic location: 2q37.3.
Variant type: Duplication.
Coding change: c.983dup on transcript NM_000030.3 (MANE Select); coding-DNA position 983, one base duplicated (C; older notation c.983dupC).
Protein change: p.Gly329fs; shifts the reading frame from glycine 329.
Molecular consequence: frameshift variant.
Genome position (GRCh38, 1-based): chr2:240,878,062, C duplicated. VCF-style (leftmost placement, unchanged base first): chr2-240878061-G-GC. GRCh37 (hg19) VCF-style: chr2-241817478-G-GC.
Other names: short protein forms G329fs.
Identifiers: ClinVar variation 2043781 (VCV002043781.4), dbSNP rs2528764137, ClinGen allele CA2580068044.

ClinVar aggregate classification (germline): Pathogenic (1 of 4 stars; one submission).

Submission:

Labcorp Genetics (formerly Invitae), Labcorp
Classification: Pathogenic. Last evaluated: 2021-12-23. Review status: criteria provided, single submitter. Criteria: Invitae Variant Classification Sherloc (09022015). Collection method: clinical testing. Allele origin: germline.
Comment: For these reasons, this variant has been classified as Pathogenic. This variant has not been reported in the literature in individuals affected with AGXT-related conditions. This variant is not present in population databases (gnomAD no frequency). This sequence change creates a premature translational stop signal (p.Gly329Trpfs*3) in the AGXT gene. It is expected to result in an absent or disrupted protein product. Loss-of-function variants in AGXT are known to be pathogenic (PMID: 19479957).

Literature cited by the submitters: PubMed 19479957.